The following is an entry in ClinVar:

NM_004774.4(MED1):c.795G>A (p.Val265=)

Gene: MED1 (mediator complex subunit 1; minus strand). Cytogenetic location: 17q12.
Variant type: single nucleotide variant.
Coding change: c.795G>A on transcript NM_004774.4 (MANE Select); coding-DNA position 795, G replaced by A.
Protein change: p.Val265=; no amino-acid change (valine 265 retained).
Molecular consequence: synonymous variant.
Genome position (GRCh38, 1-based): chr17:39,424,683, C>T on the plus strand (G>A on the coding strand, the complement: MED1 is on the minus strand). VCF-style: chr17-39424683-C-T. GRCh37 (hg19) VCF-style: chr17-37580936-C-T.
Identifiers: ClinVar variation 2647715 (VCV002647715.24), dbSNP rs146073566, ClinGen allele CA8530652.

ClinVar aggregate classification (germline): Likely benign (1 of 4 stars; one submission).

Allele frequency attached by ClinVar (database versions not stated): 1000 Genomes Project 30x 0.00219; 1000 Genomes Project 0.00220; ESP Exome Variant Server 0.00469.
gnomAD v4.1: 11,071 of 1,610,986 alleles (0.69%); highest among the groups gnomAD compares: Non-Finnish European, 0.84%; 34 homozygotes.

Submission:

CeGaT Center for Human Genetics Tuebingen
Classification: Likely benign. Last evaluated: 2023-03-01. Review status: criteria provided, single submitter. Criteria: CeGaT Center For Human Genetics Tuebingen Variant Classification Criteria Version 2. Collection method: clinical testing. Allele origin: germline. Affected: yes. Observed: 1 variant allele.
Comment: MED1: BP4, BS2